The following is an entry in ClinVar:

ClinVar aggregate classification (germline): Conflicting classifications of pathogenicity. Review status: criteria provided, conflicting classifications (1 of 4 stars). 5 submissions from 5 submitters: Uncertain significance (4); Likely benign (1). Last evaluated 2026-08-03.

Conditions:
ADGRV1-related disorder. Also called: ADGRV1-related disorders; ADGRV1-related condition.

Allele frequency attached by ClinVar (database versions not stated): gnomAD exomes below 0.00001; gnomAD 0.00001.
gnomAD v4.1: 13 of 1,611,336 alleles (0.00081%); highest among the groups gnomAD compares: East Asian, 0.0089%; no homozygotes.

Submissions (5):

PreventionGenetics, part of Exact Sciences
Classification: Uncertain significance for ADGRV1-related condition. Last evaluated: 2026-08-03. Review status: criteria provided, single submitter. Criteria: ACMG Guidelines, 2015. Collection method: clinical testing. Allele origin: germline.
Comment: The ADGRV1 c.3469T>C variant is predicted to result in the amino acid substitution p.Phe1157Leu. To our knowledge, this variant has not been reported in the literature. This variant is reported in 0.12% of alleles in individuals of Latino descent in gnomAD, which may be too frequent to be a primary cause of disease. Although we suspect that this variant may be benign, at this time, the clinical significance of this variant is uncertain due to the absence of conclusive functional and genetic evidence.

Women's Health and Genetics/Laboratory Corporation of America, LabCorp
Classification: Uncertain significance. Last evaluated: 2025-09-17. Review status: criteria provided, single submitter. Criteria: LabCorp Variant Classification Summary - May 2015. Collection method: clinical testing. Allele origin: germline.
Comment: Variant summary: ADGRV1 c.3469T>C (p.Phe1157Leu) results in a non-conservative amino acid change in the encoded protein sequence. Algorithms developed to predict the effect of missense changes on protein structure and function are either unavailable or do not agree on the potential impact of this missense change. The variant was absent in 248448 control chromosomes. The available data on variant occurrences in the general population are insufficient to allow any conclusion about variant significance. To our knowledge, no occurrence of c.3469T>C in individuals affected with ADGRV1-related conditions and no experimental evidence demonstrating its impact on protein function have been reported. ClinVar contains an entry for this variant (Variation ID: 2716391). Based on the evidence outlined above, the variant was classified as uncertain significance.

GeneDx
Classification: Uncertain significance. Last evaluated: 2025-04-29. Review status: criteria provided, single submitter. Criteria: GeneDx Variant Classification Process June 2021. Collection method: clinical testing. Allele origin: germline. Affected: yes.
Comment: In silico analysis supports that this missense variant has a deleterious effect on protein structure/function; Has not been previously published as pathogenic or benign to our knowledge

Labcorp Genetics (formerly Invitae), Labcorp
Classification: Likely benign. Last evaluated: 2025-04-17. Review status: criteria provided, single submitter. Criteria: Invitae Variant Classification Sherloc (09022015). Collection method: clinical testing. Allele origin: germline.

Blueprint Genetics
Classification: Uncertain significance. Last evaluated: 2024-03-22. Review status: criteria provided, single submitter. Criteria: ACMG Guidelines, 2015. Collection method: clinical testing. Allele origin: germline.

NM_032119.4(ADGRV1):c.3469T>C (p.Phe1157Leu)

Gene: ADGRV1 (adhesion G protein-coupled receptor V1; plus strand). Cytogenetic location: 5q14.3.
Variant type: single nucleotide variant.
Coding change: c.3469T>C on transcript NM_032119.4 (MANE Select); coding-DNA position 3469, T replaced by C.
Protein change: p.Phe1157Leu; replaces phenylalanine 1157 with leucine.
Molecular consequence: missense variant. On other transcripts: non-coding transcript variant (1).
Genome position (GRCh38, 1-based): chr5:90,652,398, T>C. VCF-style: chr5-90652398-T-C. GRCh37 (hg19) VCF-style: chr5-89948215-T-C.
Other names: c.3469T>C (NM_032119.3); short protein forms F1157L.
Identifiers: ClinVar variation 2716391 (VCV002716391.8), dbSNP rs932681759, ClinGen allele CA121839387.